The following is an entry in ClinVar:

NM_030632.3(ASXL3):c.6110C>T (p.Pro2037Leu)

Gene: ASXL3 (ASXL transcriptional regulator 3; plus strand). Cytogenetic location: 18q12.1.
Variant type: single nucleotide variant.
Coding change: c.6110C>T on transcript NM_030632.3 (MANE Select); coding-DNA position 6110, C replaced by T.
Protein change: p.Pro2037Leu; replaces proline 2037 with leucine.
Molecular consequence: missense variant.
Genome position (GRCh38, 1-based): chr18:33,745,958, C>T. VCF-style: chr18-33745958-C-T. GRCh37 (hg19) VCF-style: chr18-31325922-C-T.
Other names: short protein forms P2037L.
Identifiers: ClinVar variation 1050183 (VCV001050183.1), dbSNP rs770483501, ClinGen allele CA402196159.

ClinVar aggregate classification (germline): Uncertain significance (0 of 4 stars; one submission).

gnomAD v4.1: 4 of 1,544,838 alleles (0.00026%); highest among the groups gnomAD compares: South Asian, 0.0024%; no homozygotes.

Submission:

Department of Pathology and Laboratory Medicine, Sinai Health System
Classification: Uncertain significance. Review status: no assertion criteria provided. Collection method: clinical testing. Allele origin: unknown. Affected: yes. Study: The Canadian Open Genetics Repository (COGR).
Comment: The ASXL3 p.(Pro2037Leu) variant was not identified in the literature nor was it identified in the dbSNP, ClinVar, Cosmic, MutDB or LOVD 3.0 databases. The variant was not identified in the following control databases: the 1000 Genomes Project, the NHLBI GO Exome Sequencing Project, the Exome Aggregation Consortium (August 8th 2016), or the Genome Aggregation Database (Feb 27, 2017). The ASXL3 gene is associated with Bainbridge-Ropers syndrome (OMIM:615115). The p.(Pro2037Leu) residue is conserved in mammals but not in more distantly related organisms and computational analyses (PolyPhen-2, SIFT, AlignGVGD, BLOSUM, MutationTaster) provide inconsistent predictions regarding the impact to the protein; this information is not very predictive of pathogenicity. In summary, based on the above information the clinical significance of this variant cannot be determined with certainty at this time. This variant is classified as a variant of uncertain significance.